The following is an entry in ClinVar:

ClinVar aggregate classification (germline): Pathogenic (1 of 4 stars; one submission).

Submission:

Labcorp Genetics (formerly Invitae), Labcorp
Classification: Pathogenic. Last evaluated: 2021-07-26. Review status: criteria provided, single submitter. Criteria: Invitae Variant Classification Sherloc (09022015). Collection method: clinical testing. Allele origin: germline.
Comment: This variant is a gross deletion of the genomic region encompassing exon(s) 65 of the USH2A gene. This variant would be expected to be in-frame, preserving the integrity of the reading frame. A similar copy number variant has been observed in individual(s) with clinical features of Usher syndrome (Invitae). In at least one individual the data is consistent with the variant being in trans (on the opposite chromosome) from a pathogenic variant. For these reasons, this variant has been classified as Pathogenic. This variant disrupts a region of the USH2A protein in which other variant(s) (p.Gly4763Arg) have been determined to be pathogenic (PMID: 25133613, 25649381, 27460420). This suggests that this is a clinically significant region of the protein, and that variants that disrupt it are likely to be disease-causing.

Literature cited by the submitters: PubMed 25133613; PubMed 25649381; PubMed 27460420.

NC_000001.10:g.(?_215823914)_(215824163_?)del

Gene: USH2A (usherin; minus strand). Cytogenetic location: 1q41.
Variant type: Deletion.
Identifiers: ClinVar variation 1460239 (VCV001460239.4).